The following is an entry in ClinVar:

NM_199420.4(POLQ):c.1328C>G (p.Thr443Ser)

Gene: POLQ (DNA polymerase theta; minus strand). Cytogenetic location: 3q13.33.
Variant type: single nucleotide variant.
Coding change: c.1328C>G on transcript NM_199420.4 (MANE Select); coding-DNA position 1328, C replaced by G.
Protein change: p.Thr443Ser; replaces threonine 443 with serine.
Molecular consequence: missense variant.
Genome position (GRCh38, 1-based): chr3:121,520,011, G>C on the plus strand (C>G on the coding strand, the complement: POLQ is on the minus strand). VCF-style: chr3-121520011-G-C. GRCh37 (hg19) VCF-style: chr3-121238858-G-C.
Other names: short protein forms T443S.
Identifiers: ClinVar variation 2449034 (VCV002449034.2), dbSNP rs1311840422, ClinGen allele CA354119653.
Genomic context (GRCh38, chr3:121,520,011, plus strand): 5'-ATAGGGGTTCGAATAATCACACGACGTGCAGGTAAATTCACCCCAGAAGAAAGAGTAGAA[G>C]TTGCCGCCAAGACCCGAATGAGACCTTGACGAAAGGCTCCTTCAATGATATCCCTCTCCT-3'
Protein context (NP_955452.3, residues 433-453): RQGLIRVLAA[Thr443Ser]STLSSGVNLP

ClinVar aggregate classification (germline): Uncertain significance (1 of 4 stars; one submission).

Submission:

Ambry Genetics
Classification: Uncertain significance. Last evaluated: 2023-02-27. Review status: criteria provided, single submitter. Criteria: Ambry Variant Classification Scheme 2023. Collection method: clinical testing. Allele origin: germline.
Comment: The p.T443S variant (also known as c.1328C>G), located in coding exon 9 of the POLQ gene, results from a C to G substitution at nucleotide position 1328. The threonine at codon 443 is replaced by serine, an amino acid with similar properties. This amino acid position is conserved. In addition, the in silico prediction for this alteration is inconclusive. Since supporting evidence is limited at this time, the clinical significance of this alteration remains unclear.